The following is an entry in ClinVar:

NM_005219.5(DIAPH1):c.233A>G (p.Asp78Gly)

Gene: DIAPH1 (diaphanous related formin 1; minus strand). Cytogenetic location: 5q31.3.
Variant type: single nucleotide variant.
Coding change: c.233A>G on transcript NM_005219.5 (MANE Select); coding-DNA position 233, A replaced by G.
Protein change: p.Asp78Gly; replaces aspartic acid 78 with glycine.
Molecular consequence: missense variant.
Genome position (GRCh38, 1-based): chr5:141,587,109, T>C on the plus strand (A>G on the coding strand, the complement: DIAPH1 is on the minus strand). VCF-style: chr5-141587109-T-C. GRCh37 (hg19) VCF-style: chr5-140966676-T-C.
Other names: c.206A>G, p.Asp69Gly (NM_001079812.3); c.233A>G, p.Asp78Gly (NM_001314007.2); short protein forms D69G, D78G.
Identifiers: ClinVar variation 2122545 (VCV002122545.4), dbSNP rs972893707, ClinGen allele CA128443926.

ClinVar aggregate classification (germline): Uncertain significance (1 of 4 stars; one submission).

Conditions:
Autosomal dominant nonsyndromic hearing loss 1. Also called: KONIGSMARK SYNDROME; DEAFNESS, AUTOSOMAL DOMINANT 1, WITH OR WITHOUT THROMBOCYTOPENIA. Identifiers: Orphanet 90635, MedGen C1852282, MONDO:0007424, OMIM 124900.
Progressive microcephaly-seizures-cortical blindness-developmental delay syndrome. Also called: Seizures, cortical blindness, and microcephaly syndrome. Identifiers: Orphanet 477814, MedGen C5567650, MONDO:0014714, OMIM 616632.

Allele frequency attached by ClinVar (database versions not stated): gnomAD 0.00001; gnomAD exomes 0.00001; TOPMed 0.00001.
gnomAD v4.1: 11 of 1,614,054 alleles (0.00068%); highest among the groups gnomAD compares: Non-Finnish European, 0.00093%; no homozygotes.

Submission:

Labcorp Genetics (formerly Invitae), Labcorp
Classification: Uncertain significance for Progressive microcephaly-seizures-cortical blindness-developmental delay syndrome; Autosomal dominant nonsyndromic hearing loss 1. Last evaluated: 2022-08-29. Review status: criteria provided, single submitter. Criteria: Invitae Variant Classification Sherloc (09022015). Collection method: clinical testing. Allele origin: germline.
Comment: This variant has not been reported in the literature in individuals affected with DIAPH1-related conditions. Algorithms developed to predict the effect of missense changes on protein structure and function are either unavailable or do not agree on the potential impact of this missense change (SIFT: "Deleterious"; PolyPhen-2: "Not Available"; Align-GVGD: "Class C0"). In summary, the available evidence is currently insufficient to determine the role of this variant in disease. Therefore, it has been classified as a Variant of Uncertain Significance. This sequence change replaces aspartic acid, which is acidic and polar, with glycine, which is neutral and non-polar, at codon 78 of the DIAPH1 protein (p.Asp78Gly). This variant is not present in population databases (gnomAD no frequency).